The following is an entry in ClinVar:

NM_000152.5(GAA):c.2280G>T (p.Lys760Asn)

Gene: GAA (alpha glucosidase; plus strand). Cytogenetic location: 17q25.3.
Variant type: single nucleotide variant.
Coding change: c.2280G>T on transcript NM_000152.5 (MANE Select); coding-DNA position 2280, G replaced by T.
Protein change: p.Lys760Asn; replaces lysine 760 with asparagine.
Molecular consequence: missense variant.
Genome position (GRCh38, 1-based): chr17:80,117,058, G>T. VCF-style: chr17-80117058-G-T. GRCh37 (hg19) VCF-style: chr17-78090857-G-T.
Other names: c.2280G>T, p.Lys760Asn (NM_001079803.3, NM_001079804.3); short protein forms K760N.
Identifiers: ClinVar variation 1423013 (VCV001423013.5), dbSNP rs2143919634, ClinGen allele CA401324852.

ClinVar aggregate classification (germline): Uncertain significance (1 of 4 stars; one submission).

Conditions:
Glycogen storage disease, type II (IOPD). Also called: Glycogen storage disease type 2; Acid maltase deficiency disease; Aglucosidase alfa; Deficiency of alpha-glucosidase; Deficiency of lysosomal alpha-glucosidase; CARDIOMEGALIA GLYCOGENICA DIFFUSA. Identifiers: Orphanet 365, MedGen C0017921, MONDO:0009290, OMIM 232300.

Submission:

Labcorp Genetics (formerly Invitae), Labcorp
Classification: Uncertain significance for Glycogen storage disease, type II. Last evaluated: 2022-08-21. Review status: criteria provided, single submitter. Criteria: Invitae Variant Classification Sherloc (09022015). Collection method: clinical testing. Allele origin: germline.
Comment: This sequence change replaces lysine, which is basic and polar, with asparagine, which is neutral and polar, at codon 760 of the GAA protein (p.Lys760Asn). This variant is not present in population databases (gnomAD no frequency). This variant has not been reported in the literature in individuals affected with GAA-related conditions. ClinVar contains an entry for this variant (Variation ID: 1423013). Advanced modeling of protein sequence and biophysical properties (such as structural, functional, and spatial information, amino acid conservation, physicochemical variation, residue mobility, and thermodynamic stability) performed at Invitae indicates that this missense variant is not expected to disrupt GAA protein function. In summary, the available evidence is currently insufficient to determine the role of this variant in disease. Therefore, it has been classified as a Variant of Uncertain Significance.